The following is an entry in ClinVar:

ClinVar aggregate classification (germline): Uncertain significance. Review status: criteria provided, multiple submitters, no conflicts (2 of 4 stars). 5 submissions from 5 submitters: Uncertain significance (5). Last evaluated 2025-05-21.

Conditions:
Cutis laxa with severe pulmonary, gastrointestinal and urinary anomalies. Also called: LTBP4-Related Cutis Laxa; URBAN-RIFKIN-DAVIS SYNDROME; Cutis laxa, autosomal recessive, type IC. Identifiers: Orphanet 221145, MedGen C2750804, MONDO:0013170, OMIM 613177. Disease mechanism: loss of function.

Allele frequency attached by ClinVar (database versions not stated): TOPMed 0.00024; gnomAD 0.00030 and 0.00034; gnomAD exomes 0.00032 and 0.00036; ESP Exome Variant Server 0.00039; ExAC 0.00050.
gnomAD v4.1: 505 of 1,607,488 alleles (0.031%); highest among the groups gnomAD compares: Non-Finnish European, 0.036%; no homozygotes.

Submissions (5):

GeneDx
Classification: Uncertain significance. Last evaluated: 2025-05-21. Review status: criteria provided, single submitter. Criteria: GeneDx Variant Classification Process June 2021. Collection method: clinical testing. Allele origin: germline. Affected: yes.
Comment: In silico analysis supports that this missense variant has a deleterious effect on protein structure/function; Has not been previously published as pathogenic or benign to our knowledge

Blueprint Genetics
Classification: Uncertain significance. Last evaluated: 2024-07-03. Review status: criteria provided, single submitter. Criteria: ACMG Guidelines, 2015. Collection method: clinical testing. Allele origin: germline.

Labcorp Genetics (formerly Invitae), Labcorp
Classification: Uncertain significance. Last evaluated: 2022-07-03. Review status: criteria provided, single submitter. Criteria: Invitae Variant Classification Sherloc (09022015). Collection method: clinical testing. Allele origin: germline.
Comment: This sequence change replaces cysteine, which is neutral and slightly polar, with tyrosine, which is neutral and polar, at codon 1565 of the LTBP4 protein (p.Cys1565Tyr). This variant is present in population databases (rs200665923, gnomAD 0.06%). This variant has not been reported in the literature in individuals affected with LTBP4-related conditions. ClinVar contains an entry for this variant (Variation ID: 808586). Experimental studies and prediction algorithms are not available or were not evaluated, and the functional significance of this variant is currently unknown. In summary, the available evidence is currently insufficient to determine the role of this variant in disease. Therefore, it has been classified as a Variant of Uncertain Significance.

Fulgent Genetics
Classification: Uncertain significance for Cutis laxa with severe pulmonary, gastrointestinal and urinary anomalies. Last evaluated: 2022-01-20. Review status: criteria provided, single submitter. Criteria: ACMG Guidelines, 2015. Collection method: clinical testing. Allele origin: unknown.

CeGaT Center for Human Genetics Tuebingen
Classification: Uncertain significance. Last evaluated: 2016-06-01. Review status: criteria provided, single submitter. Criteria: CeGaT Center For Human Genetics Tuebingen Variant Classification Criteria Version 2. Collection method: clinical testing. Allele origin: germline. Affected: yes. Observed: 1 variant allele.

NM_001042545.2(LTBP4):c.4604G>A (p.Cys1535Tyr)

Gene: LTBP4 (latent transforming growth factor beta binding protein 4; plus strand). Cytogenetic location: 19q13.2.
Variant type: single nucleotide variant.
Coding change: c.4604G>A on transcript NM_001042545.2 (MANE Select); coding-DNA position 4604, G replaced by A.
Protein change: p.Cys1535Tyr; replaces cysteine 1535 with tyrosine.
Molecular consequence: missense variant.
Genome position (GRCh38, 1-based): chr19:40,629,480, G>A. VCF-style: chr19-40629480-G-A. GRCh37 (hg19) VCF-style: chr19-41135385-G-A.
Other names: c.4805G>A, p.Cys1602Tyr (NM_001042544.1); c.4694G>A, p.Cys1565Tyr (NM_003573.2); short protein forms C1565Y, C1535Y, C1602Y.
Identifiers: ClinVar variation 808586 (VCV000808586.49), dbSNP rs200665923, ClinGen allele CA9449392.